The following is an entry in ClinVar:

NM_178012.5(TUBB2B):c.553G>A (p.Ala185Thr)

Gene: TUBB2B (tubulin beta 2B class IIb; minus strand). Cytogenetic location: 6p25.2.
Variant type: single nucleotide variant.
Coding change: c.553G>A on transcript NM_178012.5 (MANE Select); coding-DNA position 553, G replaced by A.
Protein change: p.Ala185Thr; replaces alanine 185 with threonine.
Molecular consequence: missense variant.
Genome position (GRCh38, 1-based): chr6:3,225,536, C>T on the plus strand (G>A on the coding strand, the complement: TUBB2B is on the minus strand). VCF-style: chr6-3225536-C-T. GRCh37 (hg19) VCF-style: chr6-3225770-C-T.
Other names: p.Ala185Thr; short protein forms A185T.
Identifiers: ClinVar variation 160182 (VCV000160182.7), dbSNP rs146544321, ClinGen allele CA251181.

ClinVar aggregate classification (germline): Likely benign. Review status: criteria provided, multiple submitters, no conflicts (2 of 4 stars). 5 submissions from 5 submitters: Likely benign (5). Last evaluated 2025-04-11.

Conditions:
Complex cortical dysplasia with other brain malformations 7. Identifiers: Orphanet 300573, MedGen C3552236, MONDO:0012399, OMIM 610031.

Allele frequency attached by ClinVar (database versions not stated): gnomAD exomes 0.00241; 1000 Genomes Project 30x 0.01015; gnomAD 0.01414 and 0.01565; ExAC 0.01721.

Submissions (5):

Mayo Clinic Laboratories, Mayo Clinic
Classification: Likely benign. Last evaluated: 2025-04-11. Review status: criteria provided, single submitter. Criteria: ACMG Guidelines, 2015. Collection method: clinical testing. Allele origin: germline. Observed: 2 variant alleles.
Comment: BS1, BS2, PP3_moderate

Fulgent Genetics
Classification: Likely benign for Complex cortical dysplasia with other brain malformations 7. Last evaluated: 2022-04-11. Review status: criteria provided, single submitter. Criteria: ACMG Guidelines, 2015. Collection method: clinical testing. Allele origin: unknown.

GeneDx
Classification: Likely benign. Last evaluated: 2019-08-21. Review status: criteria provided, single submitter. Criteria: GeneDx Variant Classification Process June 2021. Collection method: clinical testing. Allele origin: germline. Affected: yes.

Mendelics
Classification: Likely benign for Complex cortical dysplasia with other brain malformations 7. Last evaluated: 2019-05-28. Review status: criteria provided, single submitter. Criteria: Mendelics Assertion Criteria 2017. Collection method: clinical testing. Allele origin: unknown.

Breakthrough Genomics
Classification: Likely benign. Review status: criteria provided, single submitter. Criteria: ACMG Guidelines, 2015. Collection method: not provided. Allele origin: germline. Inheritance: Autosomal dominant inheritance. Affected: yes.